The following is an entry in ClinVar:

NM_000277.3(PAH):c.47_48insCT (p.Asp17fs)

Gene: PAH (phenylalanine hydroxylase; minus strand). Cytogenetic location: 12q23.2.
Variant type: Insertion.
Coding change: c.47_48insCT on transcript NM_000277.3 (MANE Select); coding-DNA positions 47 to 48, CT inserted.
Protein change: p.Asp17fs; shifts the reading frame from aspartic acid 17.
Molecular consequence: frameshift variant.
Genome position: GRCh38 VCF-style: chr12-102917083-A-AAG. GRCh37 (hg19) VCF-style: chr12-103310861-A-AAG.
Other names: c.47_48insCT, p.Asp17fs (NM_001354304.2); short protein forms D17fs.
Identifiers: ClinVar variation 805802 (VCV000805802.1), dbSNP rs1592991184, ClinGen allele CA891862634.

ClinVar aggregate classification (germline): Pathogenic (3 of 4 stars; one submission).

Conditions:
Phenylketonuria (PKU). Also called: FOLLING DISEASE; Phenylketonuria (PKU); OLIGOPHRENIA PHENYLPYRUVICA; Phenylketonurias. Identifiers: Orphanet 716, MedGen C0031485, MONDO:0009861, OMIM 261600. Disease mechanism: loss of function.

Submission:

ClinGen PAH Variant Curation Expert Panel
Classification: Pathogenic for Phenylketonuria. Last evaluated: 2019-02-26. Review status: reviewed by expert panel. Criteria: ClinGen PAH ACMG Specifications v1. Collection method: curation. Allele origin: germline. Inheritance: Autosomal recessive inheritance.
Comment: The PAH: c.47_48dupCT variant is a frameshift variant occurring in exon 1 of 13 in the canonical transcript of PAH, a gene fulfilling the most recent criteria for LOF being a known disease mechanism (see PMID: 30192042) (PVS1). BH4 deficiency was excluded. It was also noted in 3 Turkish probands: in two, it was found in trans with the p.R243X allele, and in one, it was found in trans with the p.R261Q allele (PMID: 21147011); all three cases had classic as assessed by plasma Phe levels and BH4 deficiency was excluded by genetic testing. Thus PM3_Strong and PP4_Moderate apply. It is absent from control databases including ethnically matched individuals, including gnomAD/ExAC, 1000 Genomes, and ESP (PM2).

Literature cited by the submitters: PubMed 21147011; PubMed 18299955.